The following is an entry in ClinVar:

NM_014991.6(WDFY3):c.10076A>G (p.His3359Arg)

Gene: WDFY3 (WD repeat and FYVE domain containing 3; minus strand). Cytogenetic location: 4q21.23.
Variant type: single nucleotide variant.
Coding change: c.10076A>G on transcript NM_014991.6 (MANE Select); coding-DNA position 10076, A replaced by G.
Protein change: p.His3359Arg; replaces histidine 3359 with arginine.
Molecular consequence: missense variant.
Genome position (GRCh38, 1-based): chr4:84,678,990, T>C on the plus strand (A>G on the coding strand, the complement: WDFY3 is on the minus strand). VCF-style: chr4-84678990-T-C. GRCh37 (hg19) VCF-style: chr4-85600143-T-C.
Other names: short protein forms H3359R.
Identifiers: ClinVar variation 1708928 (VCV001708928.2), dbSNP rs2530375822, ClinGen allele CA357266034.

ClinVar aggregate classification (germline): Uncertain significance (1 of 4 stars; one submission).

Submission:

GeneDx
Classification: Uncertain significance. Last evaluated: 2022-10-04. Review status: criteria provided, single submitter. Criteria: GeneDx Variant Classification Process June 2021. Collection method: clinical testing. Allele origin: germline. Affected: yes.
Comment: Not observed at significant frequency in large population cohorts (gnomAD); In silico analysis supports that this missense variant does not alter protein structure/function; Has not been previously published as pathogenic or benign to our knowledge